The following is an entry in ClinVar:

NM_001368894.2(PAX6):c.808G>C (p.Val270Leu)

Gene: PAX6 (paired box 6; minus strand). Cytogenetic location: 11p13.
Variant type: single nucleotide variant.
Coding change: c.808G>C on transcript NM_001368894.2 (MANE Select); coding-DNA position 808, G replaced by C.
Protein change: p.Val270Leu; replaces valine 270 with leucine.
Molecular consequence: missense variant. On other transcripts: non-coding transcript variant (2).
Genome position (GRCh38, 1-based): chr11:31,793,802, C>G on the plus strand (G>C on the coding strand, the complement: PAX6 is on the minus strand). VCF-style: chr11-31793802-C-G. GRCh37 (hg19) VCF-style: chr11-31815350-C-G.
Other names: c.766G>C, p.Val256Leu (NM_000280.6, NM_001127612.3, NM_001258464.2 and 10 more transcripts); c.808G>C, p.Val270Leu (NM_001258462.3, NM_001258463.2, NM_001310158.2 and 6 more transcripts); c.358G>C, p.Val120Leu (NM_001310160.2, NM_001310161.3, NM_001368899.2 and 11 more transcripts); c.1009G>C, p.Val337Leu (NM_001368910.2); c.811G>C, p.Val271Leu (NM_001368911.2); c.883G>C, p.Val295Leu (NM_001368918.2, NM_001368919.2); c.841G>C, p.Val281Leu (NM_001368920.2); c.607G>C, p.Val203Leu (NM_001368921.2, NM_001368922.2, NM_001368923.2 and 4 more transcripts); and 2 more; short protein forms V120L, V189L, V203L, V256L, V270L, V271L, V281L, V295L.
Identifiers: ClinVar variation 1305630 (VCV001305630.3), dbSNP rs779126789, ClinGen allele CA379956586.

ClinVar aggregate classification (germline): Uncertain significance (1 of 4 stars; one submission).

Submission:

GeneDx
Classification: Uncertain significance. Last evaluated: 2020-01-31. Review status: criteria provided, single submitter. Criteria: GeneDx Variant Classification Process June 2021. Collection method: clinical testing. Allele origin: germline. Affected: yes.
Comment: Not observed in large population cohorts (Lek et al., 2016); In-silico analysis, which includes splice predictors and evolutionary conservation, is inconclusive as to whether the variant alters gene splicing. In the absence of RNA/functional studies, the actual effect of this sequence change is unknown.; In silico analysis, which includes protein predictors and evolutionary conservation, supports that this variant does not alter protein structure/function; Has not been previously published as pathogenic or benign to our knowledge